The following is an entry in ClinVar:

ClinVar aggregate classification (germline): Uncertain significance (1 of 4 stars; one submission).

Conditions:
Inborn genetic diseases. Identifiers: MedGen C0950123, MeSH D030342.

Submission:

Ambry Genetics
Classification: Uncertain significance for Inborn genetic diseases. Last evaluated: 2025-09-30. Review status: criteria provided, single submitter. Criteria: Ambry Variant Classification Scheme 2023. Collection method: clinical testing. Allele origin: germline.
Comment: The c.284T>G (p.L95R) alteration is located in exon 2 (coding exon 2) of the SLC38A8 gene. This alteration results from a T to G substitution at nucleotide position 284, causing the leucine (L) at amino acid position 95 to be replaced by an arginine (R). This variant was not reported in population-based cohorts in the Genome Aggregation Database (gnomAD). This amino acid position is not well conserved in available vertebrate species. The in silico prediction for this alteration is inconclusive. Based on insufficient or conflicting evidence, the clinical significance of this alteration remains unclear.

NM_001080442.3(SLC38A8):c.284T>G (p.Leu95Arg)

Gene: SLC38A8 (solute carrier family 38 member 8; minus strand). Cytogenetic location: 16q23.3.
Variant type: single nucleotide variant.
Coding change: c.284T>G on transcript NM_001080442.3 (MANE Select); coding-DNA position 284, T replaced by G.
Protein change: p.Leu95Arg; replaces leucine 95 with arginine.
Molecular consequence: missense variant.
Genome position (GRCh38, 1-based): chr16:84,036,806, A>C on the plus strand (T>G on the coding strand, the complement: SLC38A8 is on the minus strand). VCF-style: chr16-84036806-A-C. GRCh37 (hg19) VCF-style: chr16-84070411-A-C.
Other names: short protein forms L95R.
Identifiers: ClinVar variation 4168129 (VCV004168129.2).